The following is an entry in ClinVar:

ClinVar aggregate classification (germline): Uncertain significance (1 of 4 stars; one submission).

Conditions:
Familial hypocalciuric hypercalcemia (FHH). Also called: Familial benign hypercalcemia. Identifiers: Orphanet 405, MedGen C1809471, MONDO:0018458.
Autosomal dominant hypocalcemia 1 (HYPOC1). Also called: HYPOCALCEMIA, FAMILIAL. Identifiers: MedGen C3715128, MONDO:0011013, OMIM 601198.

Submission:

Labcorp Genetics (formerly Invitae), Labcorp
Classification: Uncertain significance for Familial hypocalciuric hypercalcemia; Autosomal dominant hypocalcemia 1. Last evaluated: 2024-10-21. Review status: criteria provided, single submitter. Criteria: Invitae Variant Classification Sherloc (09022015). Collection method: clinical testing. Allele origin: germline.
Comment: This sequence change replaces alanine, which is neutral and non-polar, with glutamic acid, which is acidic and polar, at codon 348 of the CASR protein (p.Ala348Glu). Information on the frequency of this variant in the gnomAD database is not available, as this variant may be reported differently in the database. This variant has not been reported in the literature in individuals affected with CASR-related conditions. ClinVar contains an entry for this variant (Variation ID: 1429069). An algorithm developed to predict the effect of missense changes on protein structure and function (PolyPhen-2) suggests that this variant is likely to be tolerated. In summary, the available evidence is currently insufficient to determine the role of this variant in disease. Therefore, it has been classified as a Variant of Uncertain Significance.

NM_000388.4(CASR):c.1043_1044delinsAA (p.Ala348Glu)

Gene: CASR (calcium sensing receptor; plus strand). Cytogenetic location: 3q21.1.
Variant type: Indel.
Coding change: c.1043_1044delinsAA on transcript NM_000388.4 (MANE Select); coding-DNA positions 1043 to 1044, CC replaced by AA.
Protein change: p.Ala348Glu; replaces alanine 348 with glutamic acid.
Molecular consequence: missense variant.
Genome position (GRCh38, 1-based): chr3:122,262,078-122,262,079, CC replaced by AA. VCF-style: chr3-122262078-CC-AA. GRCh37 (hg19) VCF-style: chr3-121980925-CC-AA.
Other names: c.1043_1044delinsAA, p.Ala348Glu (NM_001178065.2); short protein forms A348E.
Identifiers: ClinVar variation 1429069 (VCV001429069.6), dbSNP rs2107632802, ClinGen allele CA2573136451.